The following is an entry in ClinVar:

NM_000179.3(MSH6):c.1968C>T (p.Pro656=)

Gene: MSH6 (mutS homolog 6; plus strand). Cytogenetic location: 2p16.3.
Variant type: single nucleotide variant.
Coding change: c.1968C>T on transcript NM_000179.3 (MANE Select); coding-DNA position 1968, C replaced by T.
Protein change: p.Pro656=; no amino-acid change (proline 656 retained).
Molecular consequence: synonymous variant.
Genome position (GRCh38, 1-based): chr2:47,799,951, C>T. VCF-style: chr2-47799951-C-T. GRCh37 (hg19) VCF-style: chr2-48027090-C-T.
Other names: c.1578C>T, p.Pro526= (NM_001281492.2); c.1062C>T, p.Pro354= (NM_001281493.2, NM_001281494.2).
Identifiers: ClinVar variation 921721 (VCV000921721.13), dbSNP rs1553413333, ClinGen allele CA426121250.

ClinVar aggregate classification (germline): Benign/Likely benign. Review status: criteria provided, multiple submitters, no conflicts (2 of 4 stars). 4 submissions from 4 submitters: Benign (1); Likely benign (3). Last evaluated 2026-07-05.

Conditions:
Hereditary nonpolyposis colorectal neoplasms. Identifiers: MedGen C0009405, MeSH D003123.
Hereditary cancer-predisposing syndrome. Also called: Neoplastic Syndromes, Hereditary; Hereditary Cancer Syndrome; Tumor predisposition; Hereditary neoplastic syndrome. Identifiers: Orphanet 140162, MedGen C0027672, MeSH D009386, MONDO:0015356.
Lynch syndrome 5 (LYNCH5). Also called: Hereditary non-polyposis colorectal cancer, type 5; Colorectal cancer, hereditary nonpolyposis, type 5. Identifiers: Orphanet 144, MedGen C1833477, MONDO:0013710, OMIM 614350. Disease mechanism: loss of function.

gnomAD v4.1: 2 of 1,614,014 alleles (0.00012%); highest among the groups gnomAD compares: Non-Finnish European, 0.00017%; no homozygotes.

Submissions (4):

Ambry Genetics
Classification: Likely benign for Hereditary cancer-predisposing syndrome. Last evaluated: 2026-07-05. Review status: criteria provided, single submitter. Criteria: Ambry Variant Classification Scheme 2023. Collection method: clinical testing. Allele origin: germline.

Myriad Genetics, Inc.
Classification: Benign for Lynch syndrome 5. Last evaluated: 2024-12-30. Review status: criteria provided, single submitter. Criteria: Myriad Autosomal Dominant, Autosomal Recessive and X-Linked Classification Criteria (2023). Collection method: clinical testing. Allele origin: unknown.
Comment: This variant is considered benign. This variant is a silent/synonymous amino acid change and it is not expected to impact splicing.

Labcorp Genetics (formerly Invitae), Labcorp
Classification: Likely benign for Hereditary nonpolyposis colorectal neoplasms. Last evaluated: 2023-12-15. Review status: criteria provided, single submitter. Criteria: Invitae Variant Classification Sherloc (09022015). Collection method: clinical testing. Allele origin: germline.

Color Diagnostics, LLC DBA Color Health
Classification: Likely benign for Hereditary cancer-predisposing syndrome. Last evaluated: 2020-02-09. Review status: criteria provided, single submitter. Criteria: ACMG Guidelines, 2015. Collection method: clinical testing. Allele origin: germline.